The following is an entry in ClinVar:

NM_000548.5(TSC2):c.673G>T (p.Val225Leu)

Gene: TSC2 (TSC complex subunit 2; plus strand). Cytogenetic location: 16p13.3.
Variant type: single nucleotide variant.
Coding change: c.673G>T on transcript NM_000548.5 (MANE Select); coding-DNA position 673, G replaced by T.
Protein change: p.Val225Leu; replaces valine 225 with leucine.
Molecular consequence: missense variant.
Genome position (GRCh38, 1-based): chr16:2,056,668, G>T. VCF-style: chr16-2056668-G-T. GRCh37 (hg19) VCF-style: chr16-2106669-G-T.
Other names: c.673G>T, p.Val225Leu (NM_001077183.3, NM_001114382.3, NM_001363528.2 and 3 more transcripts); c.562G>T, p.Val188Leu (NM_001318827.2); c.526G>T, p.Val176Leu (NM_001318829.2); c.73G>T, p.Val25Leu (NM_001318831.2); c.706G>T, p.Val236Leu (NM_001318832.2); short protein forms V225L, V25L, V176L, V188L, V236L.
Identifiers: ClinVar variation 565802 (VCV000565802.8), dbSNP rs142919353, ClinGen allele CA394312467.
Genomic context (GRCh38, chr16:2,056,668, plus strand): 5'-GGTAGGACGGGCGTGAGCCGTCTCCCTCTCCACCAGGTCTCCCTGCAGGTGCTGGACGCC[G>T]TGGTCTGCTACAACTGCCTGCCGGCTGAGAGCCTCCCGCTGTTCATCGTTACCCTCTGTC-3'
Protein context (NP_000539.2, residues 215-235): IEVSLQVLDA[Val225Leu]VCYNCLPAES

ClinVar aggregate classification (germline): Uncertain significance (1 of 4 stars; one submission).

Conditions:
Tuberous sclerosis 2 (TSC2). Identifiers: Orphanet 805, MedGen C1860707, MONDO:0013199, OMIM 613254.

Submission:

Labcorp Genetics (formerly Invitae), Labcorp
Classification: Uncertain significance for Tuberous sclerosis 2. Last evaluated: 2018-05-04. Review status: criteria provided, single submitter. Criteria: Invitae Variant Classification Sherloc (09022015). Collection method: clinical testing. Allele origin: germline.
Comment: In summary, the available evidence is currently insufficient to determine the role of this variant in disease. Therefore, it has been classified as a Variant of Uncertain Significance. Algorithms developed to predict the effect of missense changes on protein structure and function (SIFT, PolyPhen-2, Align-GVGD) all suggest that this variant is likely to be disruptive, but these predictions have not been confirmed by published functional studies and their clinical significance is uncertain. This variant has not been reported in the literature in individuals with TSC2-related disease. This variant is not present in population databases (ExAC no frequency). This sequence change replaces valine with leucine at codon 225 of the TSC2 protein (p.Val225Leu). The valine residue is highly conserved and there is a small physicochemical difference between valine and leucine.